The following is an entry in ClinVar:

ClinVar aggregate classification (germline): Likely benign. Review status: criteria provided, multiple submitters, no conflicts (2 of 4 stars). 3 submissions from 3 submitters: Likely benign (3). Last evaluated 2026-01-25.

Conditions:
Atrial fibrillation, familial, 6 (ATFB6). Identifiers: MedGen C2677294, MONDO:0012816, OMIM 612201.

Allele frequency attached by ClinVar (database versions not stated): ESP Exome Variant Server 0.00038; 1000 Genomes Project 0.00040; 1000 Genomes Project 30x 0.00047; gnomAD 0.00060; TOPMed 0.00067.
gnomAD v4.1: 158 of 1,611,164 alleles (0.0098%); highest among the groups gnomAD compares: African/African-American, 0.19%; no homozygotes.

Submissions (3):

Labcorp Genetics (formerly Invitae), Labcorp
Classification: Likely benign for Atrial fibrillation, familial, 6. Last evaluated: 2026-01-25. Review status: criteria provided, single submitter. Criteria: Invitae Variant Classification Sherloc (09022015). Collection method: clinical testing. Allele origin: germline.

Women's Health and Genetics/Laboratory Corporation of America, LabCorp
Classification: Likely benign. Last evaluated: 2017-11-06. Review status: criteria provided, single submitter. Criteria: LabCorp Variant Classification Summary - May 2015. Collection method: clinical testing. Allele origin: germline.
Comment: Variant summary: The NPPA c.352C>A (p.Leu118Met) variant causes a missense change involving the alteration of a non-conserved nucleotide. 2/4 in silico tools predict a benign outcome for this variant (SNPsandGO not captured due to low reliability index). This variant was found in 54/275440 control chromosomes in gnomAD at a frequency of 0.000196, which is approximately 20 times the estimated maximal expected allele frequency of a pathogenic NPPA variant (0.00001), suggesting this variant is likely a benign polymorphism. The variant of interest has not, to our knowledge, been reported in affected individuals via publications and/or reputable databases/clinical diagnostic laboratories; nor evaluated for functional impact by in vivo/vitro studies. Taken together, this variant is classified as likely benign.

Breakthrough Genomics
Classification: Likely benign. Review status: criteria provided, single submitter. Criteria: ACMG Guidelines, 2015. Collection method: not provided. Allele origin: germline. Inheritance: Autosomal recessive inheritance. Affected: yes.

NM_006172.4(NPPA):c.352C>A (p.Leu118Met)

Genes: NPPA (natriuretic peptide A; minus strand), NPPA-AS1 (NPPA antisense RNA 1; plus strand), LOC114827827 (VISTA enhancer hs2123; plus strand). Cytogenetic location: 1p36.22.
Variant type: single nucleotide variant.
Coding change: c.352C>A on transcript NM_006172.4 (MANE Select); coding-DNA position 352, C replaced by A.
Protein change: p.Leu118Met; replaces leucine 118 with methionine.
Molecular consequence: missense variant.
Genome position (GRCh38, 1-based): chr1:11,847,211, G>T on the plus strand (C>A on the coding strand, the complement: NPPA is on the minus strand). VCF-style: chr1-11847211-G-T. GRCh37 (hg19) VCF-style: chr1-11907268-G-T.
Other names: c.352C>A (LRG_751t1); short protein forms L118M.
Identifiers: ClinVar variation 578290 (VCV000578290.16), dbSNP rs147081122, ClinGen allele CA597021.